The following is an entry in ClinVar:

ClinVar aggregate classification (germline): Uncertain significance (1 of 4 stars; one submission).

Conditions:
Familial adenomatous polyposis 1 (FAP1). Also called: FAMILIAL ADENOMATOUS POLYPOSIS 1, ATTENUATED; POLYPOSIS, ADENOMATOUS INTESTINAL. Identifiers: MedGen C2713442, MONDO:0021056, OMIM 175100. Disease mechanism: loss of function.

Submission:

Labcorp Genetics (formerly Invitae), Labcorp
Classification: Uncertain significance for Familial adenomatous polyposis 1. Last evaluated: 2025-09-10. Review status: criteria provided, single submitter. Criteria: Invitae Variant Classification Sherloc (09022015). Collection method: clinical testing. Allele origin: germline.
Comment: This sequence change replaces serine, which is neutral and polar, with isoleucine, which is neutral and non-polar, at codon 992 of the APC protein (p.Ser992Ile). This variant is not present in population databases (gnomAD no frequency). This variant has not been reported in the literature in individuals affected with APC-related conditions. Invitae Evidence Modeling of protein sequence and biophysical properties (such as structural, functional, and spatial information, amino acid conservation, physicochemical variation, residue mobility, and thermodynamic stability) indicates that this missense variant is not expected to disrupt APC protein function with a negative predictive value of 95%. In summary, the available evidence is currently insufficient to determine the role of this variant in disease. Therefore, it has been classified as a Variant of Uncertain Significance.

NM_000038.6(APC):c.2975G>T (p.Ser992Ile)

Gene: APC (APC regulator of Wnt signaling pathway; plus strand). Cytogenetic location: 5q22.2.
Variant type: single nucleotide variant.
Coding change: c.2975G>T on transcript NM_000038.6 (MANE Select); coding-DNA position 2975, G replaced by T.
Protein change: p.Ser992Ile; replaces serine 992 with isoleucine.
Molecular consequence: missense variant. On other transcripts: non-coding transcript variant (2).
Genome position (GRCh38, 1-based): chr5:112,838,569, G>T. VCF-style: chr5-112838569-G-T. GRCh37 (hg19) VCF-style: chr5-112174266-G-T.
Other names: c.2975G>T, p.Ser992Ile (NM_001127510.3, NM_001354895.2, NM_001407450.1); c.2921G>T, p.Ser974Ile (NM_001127511.3); c.3029G>T, p.Ser1010Ile (NM_001354896.2, NM_001407447.1, NM_001407448.1 and 1 more transcripts); c.3005G>T, p.Ser1002Ile (NM_001354897.2); c.2900G>T, p.Ser967Ile (NM_001354898.2); c.2891G>T, p.Ser964Ile (NM_001354899.2); c.2852G>T, p.Ser951Ile (NM_001354900.2); c.2798G>T, p.Ser933Ile (NM_001354901.2, NM_001407453.1); and 11 more; short protein forms S832I, S951I, S964I, S1010I, S709I, S866I, S901I, S909I.
Identifiers: ClinVar variation 4774621 (VCV004774621.1).
Genomic context (GRCh38, chr5:112,838,569, plus strand): 5'-GTTATGGTAAAAGAGGTCAAATGAAACCCTCGATTGAATCCTATTCTGAAGATGATGAAA[G>T]TAAGTTTTGCAGTTATGGTCAATACCCAGCCGACCTAGCCCATAAAATACATAGTGCAAA-3'
Protein context (NP_000029.2, residues 982-1002): SIESYSEDDE[Ser992Ile]KFCSYGQYPA